The following is an entry in ClinVar:

ClinVar aggregate classification (germline): Likely benign. Review status: criteria provided, multiple submitters, no conflicts (2 of 4 stars). 2 submissions from 2 submitters: Likely benign (2). Last evaluated 2025-10-06.

Conditions:
Breast-ovarian cancer, familial, susceptibility to, 4. Identifiers: Orphanet 145, MedGen C3280345, MONDO:0013669, OMIM 614291.

gnomAD v4.1: 15 of 1,607,834 alleles (0.00093%); highest among the groups gnomAD compares: South Asian, 0.013%; 1 homozygote.

Submissions (2):

Labcorp Genetics (formerly Invitae), Labcorp
Classification: Likely benign for Breast-ovarian cancer, familial, susceptibility to, 4. Last evaluated: 2025-10-06. Review status: criteria provided, single submitter. Criteria: Invitae Variant Classification Sherloc (09022015). Collection method: clinical testing. Allele origin: germline.

Myriad Genetics, Inc.
Classification: Likely benign for Breast-ovarian cancer, familial, susceptibility to, 4. Last evaluated: 2025-02-21. Review status: criteria provided, single submitter. Criteria: Myriad Autosomal Dominant, Autosomal Recessive and X-Linked Classification Criteria (2023). Collection method: clinical testing. Allele origin: unknown.
Comment: This variant is considered likely benign. This variant is intronic and is not expected to impact mRNA splicing.

NM_002878.4(RAD51D):c.481-7G>T

Genes: RAD51D (RAD51 paralog D; minus strand), RAD51L3-RFFL (RAD51L3-RFFL readthrough; minus strand). Cytogenetic location: 17q12.
Variant type: single nucleotide variant.
Coding change: c.481-7G>T on transcript NM_002878.4 (MANE Select); 7 bases into the intron before coding-DNA position 481, G replaced by T.
Molecular consequence: intron variant.
Genome position (GRCh38, 1-based): chr17:35,106,488, C>A on the plus strand (G>T on the coding strand, the complement: RAD51D is on the minus strand). VCF-style: chr17-35106488-C-A. GRCh37 (hg19) VCF-style: chr17-33433507-C-A.
Other names: c.145-7G>T (NM_133629.3); c.541-7G>T (NM_001142571.2).
Identifiers: ClinVar variation 764500 (VCV000764500.8), dbSNP rs145832514, ClinGen allele CA8499454.